The following is an entry in ClinVar:

ClinVar aggregate classification (germline): Uncertain significance (1 of 4 stars; one submission).

Allele frequency attached by ClinVar (database versions not stated): gnomAD exomes 0.00001; TOPMed 0.00001; gnomAD 0.00002.
gnomAD v4.1: 11 of 1,535,638 alleles (0.00072%); highest among the groups gnomAD compares: African/African-American, 0.0014%; no homozygotes.

Submission:

Labcorp Genetics (formerly Invitae), Labcorp
Classification: Uncertain significance. Last evaluated: 2022-08-16. Review status: criteria provided, single submitter. Criteria: Invitae Variant Classification Sherloc (09022015). Collection method: clinical testing. Allele origin: germline.
Comment: This sequence change replaces cysteine, which is neutral and slightly polar, with tyrosine, which is neutral and polar, at codon 1881 of the UNC80 protein (p.Cys1881Tyr). This variant is present in population databases (no rsID available, gnomAD 0.01%). This variant has not been reported in the literature in individuals affected with UNC80-related conditions. ClinVar contains an entry for this variant (Variation ID: 1503345). Algorithms developed to predict the effect of missense changes on protein structure and function are either unavailable or do not agree on the potential impact of this missense change (SIFT: "Not Available"; PolyPhen-2: "Probably Damaging"; Align-GVGD: "Not Available"). In summary, the available evidence is currently insufficient to determine the role of this variant in disease. Therefore, it has been classified as a Variant of Uncertain Significance.

NM_001371986.1(UNC80):c.5840G>A (p.Cys1947Tyr)

Gene: UNC80 (unc-80 homolog, NALCN channel complex subunit; plus strand). Cytogenetic location: 2q34.
Variant type: single nucleotide variant.
Coding change: c.5840G>A on transcript NM_001371986.1 (MANE Select); coding-DNA position 5840, G replaced by A.
Protein change: p.Cys1947Tyr; replaces cysteine 1947 with tyrosine.
Molecular consequence: missense variant.
Genome position (GRCh38, 1-based): chr2:209,929,904, G>A. VCF-style: chr2-209929904-G-A. GRCh37 (hg19) VCF-style: chr2-210794628-G-A.
Other names: c.5642G>A, p.Cys1881Tyr (NM_032504.2); c.5627G>A, p.Cys1876Tyr (NM_182587.4); short protein forms C1876Y, C1881Y, C1947Y.
Identifiers: ClinVar variation 1503345 (VCV001503345.3), dbSNP rs1236080636, ClinGen allele CA350766861.
Genomic context (GRCh38, chr2:209,929,904, plus strand): 5'-ATGTTCAACTTTCTTTCTCTTCTGAAGTGAGTGCTGTGGCTCAACAAGTCTTATGGAACT[G>A]TCTAATTGAAGATCCATCAACGGTTCTTCGACATTTTCTGGAAAAACTGACCATCAGCAA-3'
Protein context (NP_001358915.1, residues 1937-1957): SAVAQQVLWN[Cys1947Tyr]LIEDPSTVLR